The following is an entry in ClinVar:

ClinVar aggregate classification (germline): Likely benign (1 of 4 stars; one submission).

gnomAD v4.1: 42 of 1,591,346 alleles (0.0026%); highest among the groups gnomAD compares: Non-Finnish European, 0.0031%; 2 homozygotes.

Submission:

CeGaT Center for Human Genetics Tuebingen
Classification: Likely benign. Last evaluated: 2025-04-01. Review status: criteria provided, single submitter. Criteria: CeGaT Center For Human Genetics Tuebingen Variant Classification Criteria Version 2. Collection method: clinical testing. Allele origin: germline. Affected: yes. Observed: 1 variant allele.
Comment: DAGLA: BP4, BP7

NM_006133.3(DAGLA):c.2269C>T (p.Leu757=)

Gene: DAGLA (diacylglycerol lipase alpha; plus strand). Cytogenetic location: 11q12.2.
Variant type: single nucleotide variant.
Coding change: c.2269C>T on transcript NM_006133.3 (MANE Select); coding-DNA position 2269, C replaced by T.
Protein change: p.Leu757=; no amino-acid change (leucine 757 retained).
Molecular consequence: synonymous variant.
Genome position (GRCh38, 1-based): chr11:61,743,629, C>T. VCF-style: chr11-61743629-C-T. GRCh37 (hg19) VCF-style: chr11-61511101-C-T.
Identifiers: ClinVar variation 3898353 (VCV003898353.7).
Genomic context (GRCh38, chr11:61,743,629, plus strand): 5'-TCGGAGGGGCGGCTGCTGTCGCCAGTGGTTGCGGCGGCGGCCCGCCAGGACCCGGTGGAG[C>T]TGCTGCTGCTGTCTACCCAGGAGCGGCTGGCGGCGGAGCTGCAGGCCCGGCGGGCACCAC-3'
Protein context (NP_006124.1, residues 747-767): AAAARQDPVE[Leu757=]LLLSTQERLA